The following is an entry in ClinVar:

NM_006767.4(LZTR1):c.994-2A>T

Gene: LZTR1 (leucine zipper like post translational regulator 1; plus strand). Cytogenetic location: 22q11.21.
Variant type: single nucleotide variant.
Coding change: c.994-2A>T on transcript NM_006767.4 (MANE Select); the canonical splice acceptor site of the intron before coding-DNA position 994, A replaced by T.
Molecular consequence: splice acceptor variant.
Genome position (GRCh38, 1-based): chr22:20,992,212, A>T. VCF-style: chr22-20992212-A-T. GRCh37 (hg19) VCF-style: chr22-21346501-A-T.
Identifiers: ClinVar variation 2982931 (VCV002982931.5), dbSNP rs752600682, ClinGen allele CA410781708.
Genomic context (GRCh38, chr22:20,992,212, plus strand): 5'-TCTCTGGGCACCTACCTGGCCCTTGCCAACTGGTCTCATGCCCATGTGTCTCCCCTCTTC[A>T]GGTTGGTGGGGCTGAAGTGCCCGAGCGAGCCTGTGCTTCCGAGGAGGTGCCCACCCTGAC-3'

ClinVar aggregate classification (germline): Likely pathogenic. Review status: criteria provided, multiple submitters, no conflicts (2 of 4 stars). 3 submissions from 3 submitters: Likely pathogenic (3). Last evaluated 2024-04-26.

Conditions:
LZTR1-related schwannomatosis. Also called: Schwannomatosis 2; Schwannomatosis-2, susceptibility to. Identifiers: Orphanet 93921, MedGen C3810283, MONDO:0014299, OMIM 615670.

Allele frequency attached by ClinVar (database versions not stated): TOPMed below 0.00001.

Submissions (3):

GeneDx
Classification: Likely pathogenic. Last evaluated: 2024-04-26. Review status: criteria provided, single submitter. Criteria: GeneDx Variant Classification Process June 2021. Collection method: clinical testing. Allele origin: germline. Affected: yes.
Comment: Canonical splice site variant predicted to result in an in-frame loss of the adjacent exon in a gene for which loss of function is a known mechanism of disease; Not observed at significant frequency in large population cohorts (gnomAD); Has not been previously published as pathogenic or benign to our knowledge

Baylor Genetics
Classification: Likely pathogenic for LZTR1-related schwannomatosis. Last evaluated: 2024-02-13. Review status: criteria provided, single submitter. Criteria: ACMG Guidelines, 2015. Collection method: clinical testing. Allele origin: unknown.

Labcorp Genetics (formerly Invitae), Labcorp
Classification: Likely pathogenic. Last evaluated: 2023-12-08. Review status: criteria provided, single submitter. Criteria: Invitae Variant Classification Sherloc (09022015). Collection method: clinical testing. Allele origin: germline.
Comment: This sequence change affects an acceptor splice site in intron 9 of the LZTR1 gene. It is expected to disrupt RNA splicing. Variants that disrupt the donor or acceptor splice site typically lead to a loss of protein function (PMID: 16199547), and loss-of-function variants in LZTR1 are known to be pathogenic (PMID: 24362817, 25335493, 25480913, 25795793, 29469822, 30368668, 30442762, 30442766, 30481304, 30859559). This variant is not present in population databases (gnomAD no frequency). This variant has not been reported in the literature in individuals affected with LZTR1-related conditions. Algorithms developed to predict the effect of sequence changes on RNA splicing suggest that this variant may disrupt the consensus splice site. In summary, the currently available evidence indicates that the variant is pathogenic, but additional data are needed to prove that conclusively. Therefore, this variant has been classified as Likely Pathogenic.

Literature cited by the submitters: PubMed 16199547 (cited by Labcorp Genetics (formerly Invitae), Labcorp); PubMed 24362817 (cited by Labcorp Genetics (formerly Invitae), Labcorp); PubMed 25335493 (cited by Labcorp Genetics (formerly Invitae), Labcorp); PubMed 25480913 (cited by Labcorp Genetics (formerly Invitae), Labcorp); PubMed 25795793 (cited by Labcorp Genetics (formerly Invitae), Labcorp); PubMed 29469822 (cited by Labcorp Genetics (formerly Invitae), Labcorp); PubMed 30368668 (cited by Labcorp Genetics (formerly Invitae), Labcorp); PubMed 30442762 (cited by Labcorp Genetics (formerly Invitae), Labcorp); PubMed 30442766 (cited by Labcorp Genetics (formerly Invitae), Labcorp); PubMed 30481304 (cited by Labcorp Genetics (formerly Invitae), Labcorp); PubMed 30859559 (cited by Labcorp Genetics (formerly Invitae), Labcorp).